The following is an entry in ClinVar:

ClinVar aggregate classification (germline): Uncertain significance. Review status: criteria provided, multiple submitters, no conflicts (2 of 4 stars). 2 submissions from 2 submitters: Uncertain significance (2). Last evaluated 2025-06-10.

Conditions:
Progressive familial heart block type IB (PFHB1B). Identifiers: Orphanet 871, MedGen C1970298, MONDO:0011474, OMIM 604559.
Cardiovascular phenotype. Identifiers: MedGen CN230736.

Allele frequency attached by ClinVar (database versions not stated): ExAC 0.00001; gnomAD exomes 0.00001 and 0.00002; gnomAD 0.00003; ESP Exome Variant Server 0.00008.
gnomAD v4.1: 14 of 1,614,024 alleles (0.00087%); highest among the groups gnomAD compares: African/African-American, 0.0053%; no homozygotes.

Submissions (2):

Ambry Genetics
Classification: Uncertain significance for Cardiovascular phenotype. Last evaluated: 2025-06-10. Review status: criteria provided, single submitter. Criteria: Ambry Variant Classification Scheme 2023. Collection method: clinical testing. Allele origin: germline.
Comment: The p.R442H variant (also known as c.1325G>A), located in coding exon 11 of the TRPM4 gene, results from a G to A substitution at nucleotide position 1325. The arginine at codon 442 is replaced by histidine, an amino acid with highly similar properties. This amino acid position is conserved. In addition, the in silico prediction for this alteration is inconclusive. Based on the available evidence, the clinical significance of this variant remains unclear.

Labcorp Genetics (formerly Invitae), Labcorp
Classification: Uncertain significance for Progressive familial heart block type IB. Last evaluated: 2025-04-06. Review status: criteria provided, single submitter. Criteria: Invitae Variant Classification Sherloc (09022015). Collection method: clinical testing. Allele origin: germline.
Comment: This sequence change replaces arginine, which is basic and polar, with histidine, which is basic and polar, at codon 442 of the TRPM4 protein (p.Arg442His). This variant is present in population databases (rs143555485, gnomAD 0.008%). This variant has not been reported in the literature in individuals affected with TRPM4-related conditions. ClinVar contains an entry for this variant (Variation ID: 1437839). An algorithm developed to predict the effect of missense changes on protein structure and function (PolyPhen-2) suggests that this variant is likely to be disruptive. In summary, the available evidence is currently insufficient to determine the role of this variant in disease. Therefore, it has been classified as a Variant of Uncertain Significance.

NM_017636.4(TRPM4):c.1325G>A (p.Arg442His)

Gene: TRPM4 (transient receptor potential cation channel subfamily M member 4; plus strand). Cytogenetic location: 19q13.33.
Variant type: single nucleotide variant.
Coding change: c.1325G>A on transcript NM_017636.4 (MANE Select); coding-DNA position 1325, G replaced by A.
Protein change: p.Arg442His; replaces arginine 442 with histidine.
Molecular consequence: missense variant. On other transcripts: 5 prime UTR variant (1).
Genome position (GRCh38, 1-based): chr19:49,182,639, G>A. VCF-style: chr19-49182639-G-A. GRCh37 (hg19) VCF-style: chr19-49685896-G-A.
Other names: c.1325G>A, p.Arg442His (NM_001195227.2); c.980G>A, p.Arg327His (NM_001321281.2); c.-229G>A (NM_001321282.2); c.803G>A, p.Arg268His (NM_001321283.2); c.263G>A, p.Arg88His (NM_001321285.2); c.1325G>A (NM_017636.3); short protein forms R268H, R327H, R442H, R88H.
Identifiers: ClinVar variation 1437839 (VCV001437839.8), dbSNP rs143555485, ClinGen allele CA9569171.
Genomic context (GRCh38, chr19:49,182,639, plus strand): 5'-CCTTCCATCTCGAAGCTTCCCTCATGGACGCCCTGCTGAATGACCGGCCTGAGTTCGTGC[G>A]CTTGCTCATTTCCCACGGCCTCAGCCTGGGCCACTTCCTGACCCCGATGCGCCTGGCCCA-3'
Protein context (NP_060106.2, residues 432-452): ALLNDRPEFV[Arg442His]LLISHGLSLG